The following is an entry in ClinVar:

NM_020937.4(FANCM):c.4147T>G (p.Tyr1383Asp)

Gene: FANCM (FA complementation group M; plus strand). Cytogenetic location: 14q21.2.
Variant type: single nucleotide variant.
Coding change: c.4147T>G on transcript NM_020937.4 (MANE Select); coding-DNA position 4147, T replaced by G.
Protein change: p.Tyr1383Asp; replaces tyrosine 1383 with aspartic acid.
Molecular consequence: missense variant.
Genome position (GRCh38, 1-based): chr14:45,176,901, T>G. VCF-style: chr14-45176901-T-G. GRCh37 (hg19) VCF-style: chr14-45646104-T-G.
Other names: c.4069T>G, p.Tyr1357Asp (NM_001308133.2); c.4147T>G (NM_020937.3); short protein forms Y1357D, Y1383D.
Identifiers: ClinVar variation 695538 (VCV000695538.19), dbSNP rs144104545, ClinGen allele CA7169630.

ClinVar aggregate classification (germline): Likely benign. Review status: criteria provided, multiple submitters, no conflicts (2 of 4 stars). 7 submissions from 7 submitters: Likely benign (5). 2 of the submissions do not count toward it. Last evaluated 2026-01-12.

Conditions:
Fanconi anemia (FA). Also called: Fanconi's anemia. Identifiers: Orphanet 84, MedGen C0015625, MeSH D005199, MONDO:0019391.
FANCM-related disorder. Also called: FANCM-related condition.
Hereditary cancer-predisposing syndrome. Also called: Tumor predisposition; Hereditary neoplastic syndrome; Hereditary Cancer Syndrome; Neoplastic Syndromes, Hereditary. Identifiers: Orphanet 140162, MedGen C0027672, MeSH D009386, MONDO:0015356.

Allele frequency attached by ClinVar (database versions not stated): gnomAD exomes 0.00015 and 0.00040; ExAC 0.00052; gnomAD 0.00113 and 0.00118; TOPMed 0.00138; ESP Exome Variant Server 0.00163; 1000 Genomes Project 0.00180; 1000 Genomes Project 30x 0.00203.
gnomAD v4.1: 402 of 1,611,730 alleles (0.025%); highest among the groups gnomAD compares: African/African-American, 0.49%; 1 homozygote.

Submissions (7):

Labcorp Genetics (formerly Invitae), Labcorp
Classification: Likely benign for Fanconi anemia. Last evaluated: 2026-01-12. Review status: criteria provided, single submitter. Criteria: Invitae Variant Classification Sherloc (09022015). Collection method: clinical testing. Allele origin: germline.

Quest Diagnostics Nichols Institute San Juan Capistrano
Classification: Likely benign. Last evaluated: 2024-12-16. Review status: criteria provided, single submitter. Criteria: Quest Diagnostics criteria. Collection method: clinical testing. Allele origin: unknown.

Blueprint Genetics
Classification: Likely benign. Last evaluated: 2024-10-22. Review status: criteria provided, single submitter. Criteria: ACMG Guidelines, 2015. Collection method: clinical testing. Allele origin: germline.

Sema4
Classification: Likely benign for Hereditary cancer-predisposing syndrome. Last evaluated: 2021-09-02. Review status: criteria provided, single submitter. Criteria: Sema4 Curation Guidelines. Collection method: curation. Allele origin: germline.

Breakthrough Genomics
Classification: Likely benign. Review status: criteria provided, single submitter. Criteria: ACMG Guidelines, 2015. Collection method: not provided. Allele origin: germline. Inheritance: Autosomal recessive inheritance. Affected: yes.

Genetic Services Laboratory, University of Chicago
Classification: Likely benign. Last evaluated: 2022-08-24. Review status: no assertion criteria provided. Collection method: clinical testing. Allele origin: germline. Affected: no. Not counted in ClinVar's aggregate classification.

PreventionGenetics, part of Exact Sciences
Classification: Likely benign for FANCM-related condition. Last evaluated: 2020-04-20. Review status: no assertion criteria provided. Collection method: clinical testing. Allele origin: germline. Not counted in ClinVar's aggregate classification.
Comment: This variant is classified as likely benign based on ACMG/AMP sequence variant interpretation guidelines (Richards et al. 2015 PMID: 25741868, with internal and published modifications).